The following is an entry in ClinVar:

NM_005676.5(RBM10):c.1585A>G (p.Ile529Val)

Gene: RBM10 (RNA binding motif protein 10; plus strand). Cytogenetic location: Xp11.3.
Variant type: single nucleotide variant.
Coding change: c.1585A>G on transcript NM_005676.5 (MANE Select); coding-DNA position 1585, A replaced by G.
Protein change: p.Ile529Val; replaces isoleucine 529 with valine.
Molecular consequence: missense variant.
Genome position (GRCh38, 1-based): chrX:47,181,758, A>G. VCF-style: chrX-47181758-A-G. GRCh37 (hg19) VCF-style: chrX-47041157-A-G.
Other names: c.1354A>G, p.Ile452Val (NM_001204466.2); c.1582A>G, p.Ile528Val (NM_001204467.2); c.1780A>G, p.Ile594Val (NM_001204468.2); c.1351A>G, p.Ile451Val (NM_152856.3); short protein forms I452V, I529V, I594V, I451V, I528V.
Identifiers: ClinVar variation 3707244 (VCV003707244.2).

ClinVar aggregate classification (germline): Uncertain significance (1 of 4 stars; one submission).

Submission:

Labcorp Genetics (formerly Invitae), Labcorp
Classification: Uncertain significance. Last evaluated: 2025-01-25. Review status: criteria provided, single submitter. Criteria: Invitae Variant Classification Sherloc (09022015). Collection method: clinical testing. Allele origin: germline.
Comment: This sequence change replaces isoleucine, which is neutral and non-polar, with valine, which is neutral and non-polar, at codon 529 of the RBM10 protein (p.Ile529Val). This variant is not present in population databases (gnomAD no frequency). This variant has not been reported in the literature in individuals affected with RBM10-related conditions. Invitae Evidence Modeling of protein sequence and biophysical properties (such as structural, functional, and spatial information, amino acid conservation, physicochemical variation, residue mobility, and thermodynamic stability) indicates that this missense variant is not expected to disrupt RBM10 protein function with a negative predictive value of 80%. In summary, the available evidence is currently insufficient to determine the role of this variant in disease. Therefore, it has been classified as a Variant of Uncertain Significance.